The following is an entry in ClinVar:

NM_013275.6(ANKRD11):c.5940_5941delinsTT (p.Leu1980_Leu1981=)

Gene: ANKRD11 (ankyrin repeat domain 11; minus strand). Cytogenetic location: 16q24.3.
Variant type: Indel.
Coding change: c.5940_5941delinsTT on transcript NM_013275.6 (MANE Select); coding-DNA positions 5940 to 5941, GC replaced by TT.
Protein change: p.Leu1980_Leu1981=.
Molecular consequence: synonymous variant.
Genome position (GRCh38, 1-based): chr16:89,280,601-89,280,602, GC replaced by AA on the plus strand (GC replaced by TT on the coding strand, the reverse complement: ANKRD11 is on the minus strand). VCF-style: chr16-89280601-GC-AA. GRCh37 (hg19) VCF-style: chr16-89347009-GC-AA.
Other names: c.5940_5941delinsTT, p.Leu1980_Leu1981= (NM_001256182.2, NM_001256183.2).
Identifiers: ClinVar variation 2769555 (VCV002769555.3), dbSNP rs2544225357, ClinGen allele CA2697556043.

ClinVar aggregate classification (germline): Uncertain significance (1 of 4 stars; one submission).

Conditions:
KBG syndrome (KBGS). Also called: ANKRD11-Related KBG Syndrome. Identifiers: Orphanet 2332, MedGen C0220687, MONDO:0007846, OMIM 148050.

Submission:

Labcorp Genetics (formerly Invitae), Labcorp
Classification: Uncertain significance for KBG syndrome. Last evaluated: 2024-01-07. Review status: criteria provided, single submitter. Criteria: Invitae Variant Classification Sherloc (09022015). Collection method: clinical testing. Allele origin: germline.
Comment: This variant, c.5940_5941delinsTT, is a complex sequence change that results in the deletion of 1 and insertion of 1 amino acid(s) in the ANKRD11 protein (Silent). Information on the frequency of this variant in the gnomAD database is not available, as this variant may be reported differently in the database. This variant has not been reported in the literature in individuals affected with ANKRD11-related conditions. In summary, the available evidence is currently insufficient to determine the role of this variant in disease. Therefore, it has been classified as a Variant of Uncertain Significance.